The following is an entry in ClinVar:

ClinVar aggregate classification (germline): Uncertain significance (1 of 4 stars; one submission).

Conditions:
Dyskeratosis congenita, autosomal dominant 1 (DKCA1). Also called: Dyskeratosis congenita Scoggins type. Identifiers: Orphanet 1775, MedGen C4551974, MONDO:0007485, OMIM 127550. Inheritance: Variable.

Submission:

Labcorp Genetics (formerly Invitae), Labcorp
Classification: Uncertain significance for Dyskeratosis congenita, autosomal dominant 1. Last evaluated: 2025-03-30. Review status: criteria provided, single submitter. Criteria: Invitae Variant Classification Sherloc (09022015). Collection method: clinical testing. Allele origin: germline.
Comment: This variant occurs in the TERC gene, which encodes an RNA molecule that does not result in a protein product. This variant is not present in population databases (gnomAD no frequency). This variant has been observed in individual(s) with clinical features of TERC-related conditions (PMID: 21931702). This variant is located within the template/pseudoknot domain of the TERC RNA component, which is required for RNA or RNP stability (PMID: 15082312, 21844345). This variant is located in a region of TERC in which a significant number of disease causing variants have been reported (PMID: 15082312, 21844345, 21931702). These observations suggest that this may be a clinically significant region. In summary, the available evidence is currently insufficient to determine the role of this variant in disease. Therefore, it has been classified as a Variant of Uncertain Significance.

Literature cited by the submitters: PubMed 21931702; PubMed 15082312; PubMed 21844345.

NR_001566.3(TERC):n.176A>C

Genes: TERC (telomerase RNA component; minus strand), LOC110806306 (telomerase RNA component (TERC) promoter; plus strand). Cytogenetic location: 3q26.2.
Variant type: single nucleotide variant.
Molecular consequence: non-coding transcript variant (on NR_001566.3).
Genome position: GRCh38 VCF-style: chr3-169764885-T-G. GRCh37 (hg19) VCF-style: chr3-169482673-T-G.
Identifiers: ClinVar variation 4747376 (VCV004747376.1).